The following is an entry in ClinVar:

ClinVar aggregate classification (germline): Likely benign. Review status: criteria provided, multiple submitters, no conflicts (2 of 4 stars). 2 submissions from 2 submitters: Likely benign (2). Last evaluated 2025-09-14.

Allele frequency attached by ClinVar (database versions not stated): gnomAD exomes 0.00004 and 0.00008; ExAC 0.00006; 1000 Genomes Project 30x 0.00021; 1000 Genomes Project 0.00026.
gnomAD v4.1: 46 of 1,209,976 alleles (0.0038%); highest among the groups gnomAD compares: South Asian, 0.016%; no homozygotes.

Submissions (2):

Labcorp Genetics (formerly Invitae), Labcorp
Classification: Likely benign. Last evaluated: 2025-09-14. Review status: criteria provided, single submitter. Criteria: Invitae Variant Classification Sherloc (09022015). Collection method: clinical testing. Allele origin: germline.

CeGaT Center for Human Genetics Tuebingen
Classification: Likely benign. Last evaluated: 2024-04-01. Review status: criteria provided, single submitter. Criteria: CeGaT Center For Human Genetics Tuebingen Variant Classification Criteria Version 2. Collection method: clinical testing. Allele origin: germline. Affected: yes. Observed: 2 variant alleles.
Comment: DRP2: BS2

NM_001939.3(DRP2):c.589C>T (p.Leu197Phe)

Gene: DRP2 (dystrophin related protein 2; plus strand). Cytogenetic location: Xq22.1.
Variant type: single nucleotide variant.
Coding change: c.589C>T on transcript NM_001939.3 (MANE Select); coding-DNA position 589, C replaced by T.
Protein change: p.Leu197Phe; replaces leucine 197 with phenylalanine.
Molecular consequence: missense variant.
Genome position (GRCh38, 1-based): chrX:101,241,697, C>T. VCF-style: chrX-101241697-C-T. GRCh37 (hg19) VCF-style: chrX-100496686-C-T.
Other names: c.355C>T, p.Leu119Phe (NM_001171184.2); short protein forms L119F, L197F.
Identifiers: ClinVar variation 1633221 (VCV001633221.28), dbSNP rs772120737, ClinGen allele CA10472109.